The following is an entry in ClinVar:

NM_004260.4(RECQL4):c.2885+5G>A

Gene: RECQL4 (RecQ like helicase 4; minus strand). Cytogenetic location: 8q24.3.
Variant type: single nucleotide variant.
Coding change: c.2885+5G>A on transcript NM_004260.4 (MANE Select); 5 bases into the intron after coding-DNA position 2885, G replaced by A.
Molecular consequence: intron variant.
Genome position (GRCh38, 1-based): chr8:144,512,637, C>T on the plus strand (G>A on the coding strand, the complement: RECQL4 is on the minus strand). VCF-style: chr8-144512637-C-T. GRCh37 (hg19) VCF-style: chr8-145738020-C-T.
Identifiers: ClinVar variation 459441 (VCV000459441.13), dbSNP rs750560547, ClinGen allele CA4948039.

ClinVar aggregate classification (germline): Uncertain significance. Review status: criteria provided, multiple submitters, no conflicts (2 of 4 stars). 4 submissions from 4 submitters: Uncertain significance (3). 1 of the submissions does not count toward it. Last evaluated 2026-01-05.

Conditions:
RECQL4-related disorder. Also called: RECQL4-related condition; RECQL4-related disorders.
Hereditary cancer-predisposing syndrome. Also called: Neoplastic Syndromes, Hereditary; Tumor predisposition; Hereditary neoplastic syndrome; Hereditary Cancer Syndrome. Identifiers: Orphanet 140162, MedGen C0027672, MeSH D009386, MONDO:0015356.
Baller-Gerold syndrome (BGS). Also called: CRANIOSYNOSTOSIS WITH RADIAL DEFECTS. Identifiers: Orphanet 1225, MedGen C0265308, MONDO:0009039, OMIM 218600.

Allele frequency attached by ClinVar (database versions not stated): gnomAD 0.00001; gnomAD exomes 0.00001 and 0.00004; ExAC 0.00003; TOPMed 0.00003.

Submissions (4):

Labcorp Genetics (formerly Invitae), Labcorp
Classification: Uncertain significance for Baller-Gerold syndrome. Last evaluated: 2026-01-05. Review status: criteria provided, single submitter. Criteria: Invitae Variant Classification Sherloc (09022015). Collection method: clinical testing. Allele origin: germline.
Comment: This sequence change falls in intron 16 of the RECQL4 gene. It does not directly change the encoded amino acid sequence of the RECQL4 protein. It affects a nucleotide within the consensus splice site. This variant is present in population databases (rs750560547, gnomAD 0.04%). This variant has not been reported in the literature in individuals affected with RECQL4-related conditions. ClinVar contains an entry for this variant (Variation ID: 459441). Variants that disrupt the consensus splice site are a relatively common cause of aberrant splicing (PMID: 17576681, 9536098). Algorithms developed to predict the effect of sequence changes on RNA splicing suggest that this variant is not likely to affect RNA splicing. In summary, the available evidence is currently insufficient to determine the role of this variant in disease. Therefore, it has been classified as a Variant of Uncertain Significance.

Sema4
Classification: Uncertain significance for Hereditary cancer-predisposing syndrome. Last evaluated: 2021-07-12. Review status: criteria provided, single submitter. Criteria: Sema4 Curation Guidelines. Collection method: curation. Allele origin: germline.
Comment: The RECQL4 c.2885+5G>A variant has not been reported in the literature to our knowledge. It was observed in 11/34476 chromosomes of the Latino subpopulation in the large and broad cohorts of the Genome Aggregation Database (PMID: 32461654). The variant has been reported in ClinVar (Variation ID 459441). In silico tools suggest that the variant does not have an impact on splicing, though these predictions have not been confirmed by functional studies. The evidence is insufficient to meet ACMG/AMP criteria for classifying the variant as benign or pathogenic. Thus, the clinical significance of this variant is currently uncertain.

GeneDx
Classification: Uncertain significance. Last evaluated: 2020-03-16. Review status: criteria provided, single submitter. Criteria: GeneDx Variant Classification Process June 2021. Collection method: clinical testing. Allele origin: germline. Affected: yes.
Comment: In silico analysis, which includes splice predictors and evolutionary conservation, supports that this variant does not alter protein structure/function; Has not been previously published as pathogenic or benign to our knowledge

PreventionGenetics, part of Exact Sciences
Classification: Likely benign for RECQL4-related condition. Last evaluated: 2020-10-12. Review status: no assertion criteria provided. Collection method: clinical testing. Allele origin: germline. Not counted in ClinVar's aggregate classification.
Comment: This variant is classified as likely benign based on ACMG/AMP sequence variant interpretation guidelines (Richards et al. 2015 PMID: 25741868, with internal and published modifications).

Literature cited by the submitters: PubMed 17576681 (cited by Labcorp Genetics (formerly Invitae), Labcorp); PubMed 9536098 (cited by Labcorp Genetics (formerly Invitae), Labcorp).